The following is an entry in ClinVar:

ClinVar aggregate classification (germline): Uncertain significance (1 of 4 stars; one submission).

Conditions:
Chédiak-Higashi syndrome (CHS). Also called: Chediak-Higashi Syndrome. Identifiers: Orphanet 167, MedGen C0007965, MONDO:0008963, OMIM 214500.

Submission:

Labcorp Genetics (formerly Invitae), Labcorp
Classification: Uncertain significance for Chédiak-Higashi syndrome. Last evaluated: 2021-02-19. Review status: criteria provided, single submitter. Criteria: Invitae Variant Classification Sherloc (09022015). Collection method: clinical testing. Allele origin: germline.
Comment: In summary, the available evidence is currently insufficient to determine the role of this variant in disease. Therefore, it has been classified as a Variant of Uncertain Significance. Algorithms developed to predict the effect of missense changes on protein structure and function (SIFT, PolyPhen-2, Align-GVGD) all suggest that this variant is likely to be tolerated, but these predictions have not been confirmed by published functional studies and their clinical significance is uncertain. This variant has not been reported in the literature in individuals with LYST-related conditions. This variant is not present in population databases (ExAC no frequency). This sequence change replaces serine with glycine at codon 2591 of the LYST protein (p.Ser2591Gly). The serine residue is moderately conserved and there is a small physicochemical difference between serine and glycine.

NM_000081.4(LYST):c.7771A>G (p.Ser2591Gly)

Gene: LYST (lysosomal trafficking regulator; minus strand). Cytogenetic location: 1q42.3.
Variant type: single nucleotide variant.
Coding change: c.7771A>G on transcript NM_000081.4 (MANE Select); coding-DNA position 7771, A replaced by G.
Protein change: p.Ser2591Gly; replaces serine 2591 with glycine.
Molecular consequence: missense variant.
Genome position (GRCh38, 1-based): chr1:235,751,219, T>C on the plus strand (A>G on the coding strand, the complement: LYST is on the minus strand). VCF-style: chr1-235751219-T-C. GRCh37 (hg19) VCF-style: chr1-235914519-T-C.
Other names: c.7771A>G, p.Ser2591Gly (NM_001301365.1); short protein forms S2591G.
Identifiers: ClinVar variation 1381320 (VCV001381320.7), dbSNP rs2527712043, ClinGen allele CA344929274.